The following is an entry in ClinVar:

NM_005068.3(SIM1):c.282G>A (p.Val94=)

Gene: SIM1 (SIM bHLH transcription factor 1; minus strand). Cytogenetic location: 6q16.3.
Variant type: single nucleotide variant.
Coding change: c.282G>A on transcript NM_005068.3 (MANE Select); coding-DNA position 282, G replaced by A.
Protein change: p.Val94=; no amino-acid change (valine 94 retained).
Molecular consequence: synonymous variant.
Genome position (GRCh38, 1-based): chr6:100,450,333, C>T on the plus strand (G>A on the coding strand, the complement: SIM1 is on the minus strand). VCF-style: chr6-100450333-C-T. GRCh37 (hg19) VCF-style: chr6-100898209-C-T.
Other names: c.282G>A, p.Val94= (NM_001374769.1).
Identifiers: ClinVar variation 1336022 (VCV001336022.10), dbSNP rs141603696, ClinGen allele CA3937353.
Genomic context (GRCh38, chr6:100,450,333, plus strand): 5'-AAGACCCAAGTGGACTGAGGCTGTCTCTGAGATGTACATGATCTTCCCATCTGGGGCTAC[C>T]ACGAAGATGAAGCCATCCAGGGTCTGGGGAGGCACAAATAGAGAGAATAGAGAGCCCTCT-3'
Protein context (NP_005059.2, residues 84-104): LLQTLDGFIF[Val94=]VAPDGKIMYI

ClinVar aggregate classification (germline): Benign/Likely benign. Review status: criteria provided, multiple submitters, no conflicts (2 of 4 stars). 4 submissions from 4 submitters: Benign (1); Likely benign (2). 1 of the submissions does not count toward it. Last evaluated 2025-07-30.

Conditions:
SIM1-related disorder. Also called: SIM1-related disorders; SIM1-related condition.

Allele frequency attached by ClinVar (database versions not stated): gnomAD exomes 0.00003 and 0.00013; ExAC 0.00017; gnomAD 0.00049 and 0.00056; TOPMed 0.00054; ESP Exome Variant Server 0.00077.
gnomAD v4.1: 119 of 1,613,940 alleles (0.0074%); highest among the groups gnomAD compares: African/African-American, 0.14%; 1 homozygote.

Submissions (4):

Labcorp Genetics (formerly Invitae), Labcorp
Classification: Benign. Last evaluated: 2025-07-30. Review status: criteria provided, single submitter. Criteria: Invitae Variant Classification Sherloc (09022015). Collection method: clinical testing. Allele origin: germline.

Blueprint Genetics
Classification: Likely benign. Last evaluated: 2024-03-09. Review status: criteria provided, single submitter. Criteria: ACMG Guidelines, 2015. Collection method: clinical testing. Allele origin: germline.

Genetic Services Laboratory, University of Chicago
Classification: Likely benign. Last evaluated: 2021-07-16. Review status: criteria provided, single submitter. Criteria: ACMG Guidelines, 2015. Collection method: clinical testing. Allele origin: germline. Affected: no.

PreventionGenetics, part of Exact Sciences
Classification: Likely benign for SIM1-related condition. Last evaluated: 2021-08-02. Review status: no assertion criteria provided. Collection method: clinical testing. Allele origin: germline. Not counted in ClinVar's aggregate classification.
Comment: This variant is classified as likely benign based on ACMG/AMP sequence variant interpretation guidelines (Richards et al. 2015 PMID: 25741868, with internal and published modifications).